The following is an entry in ClinVar:

ClinVar aggregate classification (germline): Pathogenic (1 of 4 stars; one submission).

Conditions:
Ataxia-telangiectasia syndrome (AT). Also called: Ataxia-telangiectasia, complementation group E; Ataxia telangiectasia (A-T); LOUIS-BAR SYNDROME; Ataxia-telangiectasia, complementation group D; AT, COMPLEMENTATION GROUP C; Ataxia-telangiectasia. Identifiers: Orphanet 100, MedGen C0004135, MONDO:0008840, OMIM 208900.

Submission:

Labcorp Genetics (formerly Invitae), Labcorp
Classification: Pathogenic for Ataxia-telangiectasia syndrome. Last evaluated: 2021-08-27. Review status: criteria provided, single submitter. Criteria: Invitae Variant Classification Sherloc (09022015). Collection method: clinical testing. Allele origin: germline.
Comment: This variant is an out-of-frame deletion of the genomic region encompassing exons 23-24 of the ATM gene. This is expected to create a premature translational stop signal and result in an absent or disrupted protein product. For these reasons, this variant has been classified as Pathogenic. Loss-of-function variants in ATM are known to be pathogenic (PMID: 23807571, 25614872). This variant has not been reported in the literature in individuals with ATM-related conditions.

Literature cited by the submitters: PubMed 23807571; PubMed 25614872.

NC_000011.10:g.(?_108279481)_(108281178_?)del

Gene: ATM (ATM serine/threonine kinase; plus strand). Cytogenetic location: 11q22.3.
Variant type: Deletion.
Identifiers: ClinVar variation 832426 (VCV000832426.5).